The following is an entry in ClinVar:

NM_000520.6(HEXA):c.776C>T (p.Thr259Ile)

Gene: HEXA (hexosaminidase subunit alpha; minus strand). Cytogenetic location: 15q23.
Variant type: single nucleotide variant.
Coding change: c.776C>T on transcript NM_000520.6 (MANE Select); coding-DNA position 776, C replaced by T.
Protein change: p.Thr259Ile; replaces threonine 259 with isoleucine.
Molecular consequence: missense variant. On other transcripts: non-coding transcript variant (1).
Genome position (GRCh38, 1-based): chr15:72,350,547, G>A on the plus strand (C>T on the coding strand, the complement: HEXA is on the minus strand). VCF-style: chr15-72350547-G-A. GRCh37 (hg19) VCF-style: chr15-72642888-G-A.
Other names: c.809C>T, p.Thr270Ile (NM_001318825.2); short protein forms T270I, T259I.
Identifiers: ClinVar variation 5005456 (VCV005005456.2).
Genomic context (GRCh38, chr15:72,350,547, plus strand): 5'-GAGTCCCTCTGGTCCCAGACATCATTCTTACCTGGTCCCCAGGACAAAGTGTGGCCAGGA[G>A]TGTCAAACTCTGCAAGCACACGGATACCCCGGAGCCGTGCGTATTCAATGACCTCCTTCA-3'
Protein context (NP_000511.2, residues 249-269): RGIRVLAEFD[Thr259Ile]PGHTLSWGPG

ClinVar aggregate classification (germline): Uncertain significance (1 of 4 stars; one submission).

Conditions:
Tay-Sachs disease (TSD). Also called: HEXA Disorders; HEXA DEFICIENCY; GM2 gangliosidosis, type 1; Hexosaminidase alpha-subunit deficiency (variant B); Sphingolipidosis, Tay-Sachs; Hexosaminidase A Deficiency. Identifiers: Orphanet 845, MedGen C0039373, MONDO:0010100, OMIM 272800.

Submission:

Juno Genomics, Hangzhou Juno Genomics, Inc
Classification: Uncertain significance for Tay-Sachs disease. Review status: criteria provided, single submitter. Criteria: ACMG Guidelines, 2015. Collection method: clinical testing. Allele origin: germline.
Comment: Absent from controls (or at extremely low frequency if recessive) in Genome Aggregation Database.;Multiple lines of computational evidence support a deleterious effect on the gene or gene product.